The following is an entry in ClinVar:

ClinVar aggregate classification (germline): Likely pathogenic (1 of 4 stars; one submission).

Conditions:
Congenital myasthenic syndrome 18. Also called: MYASTHENIC SYNDROME, CONGENITAL, 18, WITH INTELLECTUAL DISABILITY AND ATAXIA. Identifiers: Orphanet 590, MedGen C4225364, MONDO:0014590, OMIM 616330.

Submission:

OLLIN Analises Genomicas, OLLIN
Classification: Likely pathogenic for Congenital myasthenic syndrome 18. Last evaluated: 2026-08-06. Review status: criteria provided, single submitter. Criteria: ACMG Guidelines 2015 PMID 25741868. Collection method: clinical testing. Allele origin: germline.
Comment: This frameshift variant, located in exon 6 (of 8), is absent from gnomAD and ClinVar and has not been identified in the literature. This variant causes a frameshift and introduces a premature stop codon, which is predicted to result in either a truncated protein or degradation of the mRNA via nonsense-mediated decay (NMD). According to the currently available evidence, this variant has been classified as likely pathogenic (PVS1, PM2_P).

NM_130811.4(SNAP25):c.357del (p.Arg119_Val120insTer)

Gene: SNAP25 (synaptosome associated protein 25; plus strand). Cytogenetic location: 20p12.2.
Variant type: Deletion.
Coding change: c.357del on transcript NM_130811.4 (MANE Select); coding-DNA position 357, one base deleted (T; older notation c.357delT).
Protein change: p.Arg119_Val120insTer.
Molecular consequence: frameshift variant.
Genome position (GRCh38, 1-based): chr20:10,297,000, T deleted. VCF-style (leftmost placement, unchanged base first): chr20-10296999-GT-G. GRCh37 (hg19) VCF-style: chr20-10277647-GT-G.
Other names: c.357del, p.Arg119_Val120insTer (NM_001322902.2, NM_001322903.2, NM_001322904.2 and 9 more transcripts).
Identifiers: ClinVar variation 5002837 (VCV005002837.1).
Genomic context (GRCh38, chr20:10,296,999, plus strand): 5'-ATGCTTACAAAAAAGCCTGGGGCAATAATCAGGACGGAGTGGTGGCCAGCCAGCCTGCTC[GT>G]GTAGTGGACGAACGGGAGCAGATGGCCATCAGTGGCGGCTTCATCCGCAGGTGAGCCTCA-3'